The following is an entry in ClinVar:

ClinVar aggregate classification (germline): Uncertain significance (1 of 4 stars; one submission).

Conditions:
Amyotrophic lateral sclerosis type 15. Also called: AMYOTROPHIC LATERAL SCLEROSIS 15 WITH FRONTOTEMPORAL DEMENTIA. Identifiers: Orphanet 803, MedGen C3275459, MONDO:0010459, OMIM 300857.

Submission:

Labcorp Genetics (formerly Invitae), Labcorp
Classification: Uncertain significance for Amyotrophic lateral sclerosis type 15. Last evaluated: 2021-04-07. Review status: criteria provided, single submitter. Criteria: Invitae Variant Classification Sherloc (09022015). Collection method: clinical testing. Allele origin: germline.
Comment: In summary, the available evidence is currently insufficient to determine the role of this variant in disease. Therefore, it has been classified as a Variant of Uncertain Significance. Algorithms developed to predict the effect of missense changes on protein structure and function are either unavailable or do not agree on the potential impact of this missense change (SIFT: "Not Available"; PolyPhen-2: "Benign"; Align-GVGD: "Not Available"). This variant has not been reported in the literature in individuals with UBQLN2-related conditions. This variant is present in population databases (rs756653207, ExAC 0.01%). This sequence change replaces valine with leucine at codon 492 of the UBQLN2 protein (p.Val492Leu). The valine residue is moderately conserved and there is a small physicochemical difference between valine and leucine.

NM_013444.4(UBQLN2):c.1474G>T (p.Val492Leu)

Gene: UBQLN2 (ubiquilin 2; plus strand). Cytogenetic location: Xp11.21.
Variant type: single nucleotide variant.
Coding change: c.1474G>T on transcript NM_013444.4 (MANE Select); coding-DNA position 1474, G replaced by T.
Protein change: p.Val492Leu; replaces valine 492 with leucine.
Molecular consequence: missense variant.
Genome position (GRCh38, 1-based): chrX:56,565,347, G>T. VCF-style: chrX-56565347-G-T. GRCh37 (hg19) VCF-style: chrX-56591780-G-T.
Other names: short protein forms V492L.
Identifiers: ClinVar variation 1523863 (VCV001523863.6), dbSNP rs756653207, ClinGen allele CA10430174.